The following is an entry in ClinVar:

ClinVar aggregate classification (germline): Uncertain significance. Review status: criteria provided, multiple submitters, no conflicts (2 of 4 stars). 2 submissions from 2 submitters: Uncertain significance (2). Last evaluated 2022-07-24.

Conditions:
DOCK2 deficiency. Also called: Immunodeficiency 40. Identifiers: Orphanet 447737, MedGen C4225328, MONDO:0014637, OMIM 616433.

Allele frequency attached by ClinVar (database versions not stated): gnomAD exomes 0.00001; gnomAD 0.00001; ExAC 0.00002.
gnomAD v4.1: 8 of 1,613,458 alleles (0.0005%); highest among the groups gnomAD compares: Non-Finnish European, 0.00068%; no homozygotes.

Submissions (2):

Revvity Omics, Revvity
Classification: Uncertain significance for DOCK2 deficiency. Last evaluated: 2022-07-24. Review status: criteria provided, single submitter. Criteria: ACMG Guidelines, 2015. Collection method: clinical testing. Allele origin: germline.

Labcorp Genetics (formerly Invitae), Labcorp
Classification: Uncertain significance for DOCK2 deficiency. Last evaluated: 2017-10-12. Review status: criteria provided, single submitter. Criteria: Invitae Variant Classification Sherloc (09022015). Collection method: clinical testing. Allele origin: germline.
Comment: This sequence change replaces tyrosine with cysteine at codon 1329 of the DOCK2 protein (p.Tyr1329Cys). The tyrosine residue is highly conserved and there is a large physicochemical difference between tyrosine and cysteine. This variant is present in population databases (rs766635884, ExAC 0.003%). This variant has not been reported in the literature in individuals with DOCK2-related disease. Algorithms developed to predict the effect of missense changes on protein structure and function do not agree on the potential impact of this missense change (SIFT: "Deleterious"; PolyPhen-2: "Probably Damaging"; Align-GVGD: "Class C0"). In summary, the available evidence is currently insufficient to determine the role of this variant in disease. Therefore, it has been classified as a Variant of Uncertain Significance.

NM_004946.3(DOCK2):c.3986A>G (p.Tyr1329Cys)

Gene: DOCK2 (dedicator of cytokinesis 2; plus strand). Cytogenetic location: 5q35.1.
Variant type: single nucleotide variant.
Coding change: c.3986A>G on transcript NM_004946.3 (MANE Select); coding-DNA position 3986, A replaced by G.
Protein change: p.Tyr1329Cys; replaces tyrosine 1329 with cysteine.
Molecular consequence: missense variant. On other transcripts: non-coding transcript variant (1).
Genome position (GRCh38, 1-based): chr5:170,047,529, A>G. VCF-style: chr5-170047529-A-G. GRCh37 (hg19) VCF-style: chr5-169474533-A-G.
Other names: c.3986A>G, p.Tyr1329Cys (LRG_1227t1); short protein forms Y1329C.
Identifiers: ClinVar variation 542614 (VCV000542614.11), dbSNP rs766635884, ClinGen allele CA3554401.